The following is an entry in ClinVar:

NM_012281.3(KCND2):c.757A>T (p.Ser253Cys)

Gene: KCND2 (potassium voltage-gated channel subfamily D member 2; plus strand). Cytogenetic location: 7q31.31.
Variant type: single nucleotide variant.
Coding change: c.757A>T on transcript NM_012281.3 (MANE Select); coding-DNA position 757, A replaced by T.
Protein change: p.Ser253Cys; replaces serine 253 with cysteine.
Molecular consequence: missense variant.
Genome position (GRCh38, 1-based): chr7:120,275,389, A>T. VCF-style: chr7-120275389-A-T. GRCh37 (hg19) VCF-style: chr7-119915443-A-T.
Other names: short protein forms S253C.
Identifiers: ClinVar variation 1424400 (VCV001424400.8), dbSNP rs1584706691, ClinGen allele CA369132314.
Genomic context (GRCh38, chr7:120,275,389, plus strand): 5'-GACACGGCCTGCGTCATGATCTTCACAGTTGAGTATTTGCTTCGCCTGGCTGCAGCGCCT[A>T]GTCGTTACCGTTTTGTGCGTAGTGTCATGAGTATCATCGACGTGGTGGCCATCCTGCCTT-3'
Protein context (NP_036413.1, residues 243-263): EYLLRLAAAP[Ser253Cys]RYRFVRSVMS

ClinVar aggregate classification (germline): Uncertain significance (1 of 4 stars; one submission).

Conditions:
Early Myoclonic Encephalopathy. Identifiers: MedGen C0270855.

Allele frequency attached by ClinVar (database versions not stated): gnomAD exomes below 0.00001.
gnomAD v4.1: 1 of 1,613,768 alleles (0.000062%); highest among the groups gnomAD compares: African/African-American, 0.0013%; no homozygotes.

Submission:

Labcorp Genetics (formerly Invitae), Labcorp
Classification: Uncertain significance for Early Myoclonic Encephalopathy. Last evaluated: 2025-06-02. Review status: criteria provided, single submitter. Criteria: Invitae Variant Classification Sherloc (09022015). Collection method: clinical testing. Allele origin: germline.
Comment: This sequence change replaces serine, which is neutral and polar, with cysteine, which is neutral and slightly polar, at codon 253 of the KCND2 protein (p.Ser253Cys). This variant is not present in population databases (gnomAD no frequency). This variant has not been reported in the literature in individuals affected with KCND2-related conditions. ClinVar contains an entry for this variant (Variation ID: 1424400). Invitae Evidence Modeling of protein sequence and biophysical properties (such as structural, functional, and spatial information, amino acid conservation, physicochemical variation, residue mobility, and thermodynamic stability) has been performed for this missense variant. However, the output from this modeling did not meet the statistical confidence thresholds required to predict the impact of this variant on KCND2 protein function. In summary, the available evidence is currently insufficient to determine the role of this variant in disease. Therefore, it has been classified as a Variant of Uncertain Significance.